The following is an entry in ClinVar:

NM_001903.5(CTNNA1):c.368A>C (p.Asn123Thr)

Gene: CTNNA1 (catenin alpha 1; plus strand). Cytogenetic location: 5q31.2.
Variant type: single nucleotide variant.
Coding change: c.368A>C on transcript NM_001903.5 (MANE Select); coding-DNA position 368, A replaced by C.
Protein change: p.Asn123Thr; replaces asparagine 123 with threonine.
Molecular consequence: missense variant. On other transcripts: 5 prime UTR variant (1).
Genome position (GRCh38, 1-based): chr5:138,810,104, A>C. VCF-style: chr5-138810104-A-C. GRCh37 (hg19) VCF-style: chr5-138145793-A-C.
Other names: c.368A>C, p.Asn123Thr (NM_001290307.3, NM_001323982.2, NM_001323983.1 and 3 more transcripts); c.59A>C, p.Asn20Thr (NM_001290309.3); c.-2A>C (NM_001290310.3); short protein forms N123T, N20T.
Identifiers: ClinVar variation 1733943 (VCV001733943.2), dbSNP rs1581105631, ClinGen allele CA361123035.
Genomic context (GRCh38, chr5:138,810,104, plus strand): 5'-TGATGAAGGCTGCTGCAGGAGAGTTCGCAGATGATCCCTGCTCTTCTGTGAAGCGAGGCA[A>C]CATGGTTCGGGCAGCTCGAGCTTTGCTCTCTGCTGTTACCCGGTTGCTGATTTTGGCTGA-3'
Protein context (NP_001894.2, residues 113-133): DDPCSSVKRG[Asn123Thr]MVRAARALLS

ClinVar aggregate classification (germline): Uncertain significance (1 of 4 stars; one submission).

Conditions:
Hereditary cancer-predisposing syndrome. Also called: Neoplastic Syndromes, Hereditary; Tumor predisposition; Hereditary Cancer Syndrome; Hereditary neoplastic syndrome. Identifiers: Orphanet 140162, MedGen C0027672, MeSH D009386, MONDO:0015356.

Submission:

Ambry Genetics
Classification: Uncertain significance for Hereditary cancer-predisposing syndrome. Last evaluated: 2022-09-13. Review status: criteria provided, single submitter. Criteria: Ambry Variant Classification Scheme 2023. Collection method: clinical testing. Allele origin: germline.
Comment: The p.N123T variant (also known as c.368A>C), located in coding exon 3 of the CTNNA1 gene, results from an A to C substitution at nucleotide position 368. The asparagine at codon 123 is replaced by threonine, an amino acid with similar properties. This amino acid position is conserved. In addition, this alteration is predicted to be tolerated by in silico analysis. Since supporting evidence is limited at this time, the clinical significance of this alteration remains unclear.